The following is an entry in ClinVar:

NM_001042681.2(RERE):c.1822T>G (p.Ser608Ala)

Gene: RERE (arginine-glutamic acid dipeptide repeats; minus strand). Cytogenetic location: 1p36.23.
Variant type: single nucleotide variant.
Coding change: c.1822T>G on transcript NM_001042681.2 (MANE Select); coding-DNA position 1822, T replaced by G.
Protein change: p.Ser608Ala; replaces serine 608 with alanine.
Molecular consequence: missense variant.
Genome position (GRCh38, 1-based): chr1:8,362,763, A>C on the plus strand (T>G on the coding strand, the complement: RERE is on the minus strand). VCF-style: chr1-8362763-A-C. GRCh37 (hg19) VCF-style: chr1-8422823-A-C.
Other names: c.160T>G, p.Ser54Ala (NM_001042682.2); c.1822T>G, p.Ser608Ala (NM_012102.4); short protein forms S54A, S608A.
Identifiers: ClinVar variation 5018174 (VCV005018174.1).

ClinVar aggregate classification (germline): Uncertain significance (1 of 4 stars; one submission).

Submission:

GeneDx
Classification: Uncertain significance. Last evaluated: 2026-04-02. Review status: criteria provided, single submitter. Criteria: GeneDx Variant Classification Process June 2021. Collection method: clinical testing. Allele origin: germline.
Comment: Not observed at significant frequency in large population cohorts (gnomAD); In silico analysis suggests that this missense variant does not alter protein structure/function; Has not been previously published as pathogenic or benign to our knowledge